The following is an entry in ClinVar:

NM_022436.3(ABCG5):c.1943T>G (p.Leu648Arg)

Genes: ABCG5 (ATP binding cassette subfamily G member 5; minus strand), DYNC2LI1 (dynein cytoplasmic 2 light intermediate chain 1; plus strand). Cytogenetic location: 2p21.
Variant type: single nucleotide variant.
Coding change: c.1943T>G on transcript NM_022436.3 (MANE Select); coding-DNA position 1943, T replaced by G.
Protein change: p.Leu648Arg; replaces leucine 648 with arginine.
Molecular consequence: missense variant. On other transcripts: intron variant (2).
Genome position (GRCh38, 1-based): chr2:43,813,129, A>C on the plus strand (T>G on the coding strand, the complement: ABCG5 is on the minus strand). VCF-style: chr2-43813129-A-C. GRCh37 (hg19) VCF-style: chr2-44040268-A-C.
Other names: c.*15+2605A>C (NM_001348913.2, NM_001348912.2); short protein forms L648R.
Identifiers: ClinVar variation 3414903 (VCV003414903.1).
Genomic context (GRCh38, chr2:43,813,129, plus strand): 5'-ATGCACAGTCGGCAGCTTCACTTCCATTTTCCCAGCCATGGCTTTCACTACCTGCTAATG[A>C]GATGATCCCTTATTTTGAAAACAACTATTCCTAGGATGACAAGAGCTGGAATAAATGAAT-3'
Protein context (NP_071881.1, residues 638-651): GIVVFKIRDH[Leu648Arg]ISR

ClinVar aggregate classification (germline): Uncertain significance (1 of 4 stars; one submission).

Conditions:
Cardiovascular phenotype. Identifiers: MedGen CN230736.

gnomAD v4.1: 4 of 1,270,476 alleles (0.00031%); highest among the groups gnomAD compares: Non-Finnish European, 0.00023%; no homozygotes.

Submission:

Ambry Genetics
Classification: Uncertain significance for Cardiovascular phenotype. Last evaluated: 2024-06-28. Review status: criteria provided, single submitter. Criteria: Ambry Variant Classification Scheme 2023. Collection method: clinical testing. Allele origin: germline.
Comment: The p.L648R variant (also known as c.1943T>G), located in coding exon 13 of the ABCG5 gene, results from a T to G substitution at nucleotide position 1943. The leucine at codon 648 is replaced by arginine, an amino acid with dissimilar properties. This amino acid position is conserved. In addition, the in silico prediction for this alteration is inconclusive. Based on the available evidence, the clinical significance of this variant remains unclear.